The following is an entry in ClinVar:

ClinVar aggregate classification (germline): Uncertain significance. Review status: criteria provided, multiple submitters, no conflicts (2 of 4 stars). 2 submissions from 2 submitters: Uncertain significance (2). Last evaluated 2024-04-22.

Conditions:
Familial hemophagocytic lymphohistiocytosis 4 (FHL4). Also called: STX11-Related Familial Hemophagocytic Lymphohistiocytosis (STX11-fHLH). Identifiers: Orphanet 540, MedGen C1863728, MONDO:0011336, OMIM 603552.

Allele frequency attached by ClinVar (database versions not stated): gnomAD 0.00001; TOPMed 0.00002; ExAC 0.00005; gnomAD exomes 0.00009.
gnomAD v4.1: 134 of 1,614,052 alleles (0.0083%); highest among the groups gnomAD compares: Non-Finnish European, 0.011%; no homozygotes.

Submissions (2):

Blueprint Genetics
Classification: Uncertain significance. Last evaluated: 2024-04-22. Review status: criteria provided, single submitter. Criteria: ACMG Guidelines, 2015. Collection method: clinical testing. Allele origin: germline.

Labcorp Genetics (formerly Invitae), Labcorp
Classification: Uncertain significance for Familial hemophagocytic lymphohistiocytosis 4. Last evaluated: 2022-09-19. Review status: criteria provided, single submitter. Criteria: Invitae Variant Classification Sherloc (09022015). Collection method: clinical testing. Allele origin: germline.
Comment: This sequence change replaces glutamic acid, which is acidic and polar, with lysine, which is basic and polar, at codon 31 of the STX11 protein (p.Glu31Lys). This variant is present in population databases (rs1802414, gnomAD 0.008%). This variant has not been reported in the literature in individuals affected with STX11-related conditions. Algorithms developed to predict the effect of missense changes on protein structure and function (SIFT, PolyPhen-2, Align-GVGD) all suggest that this variant is likely to be tolerated. In summary, the available evidence is currently insufficient to determine the role of this variant in disease. Therefore, it has been classified as a Variant of Uncertain Significance.

NM_003764.4(STX11):c.91G>A (p.Glu31Lys)

Gene: STX11 (syntaxin 11; plus strand). Cytogenetic location: 6q24.2.
Variant type: single nucleotide variant.
Coding change: c.91G>A on transcript NM_003764.4 (MANE Select); coding-DNA position 91, G replaced by A.
Protein change: p.Glu31Lys; replaces glutamic acid 31 with lysine.
Molecular consequence: missense variant.
Genome position (GRCh38, 1-based): chr6:144,186,718, G>A. VCF-style: chr6-144186718-G-A. GRCh37 (hg19) VCF-style: chr6-144507855-G-A.
Other names: short protein forms E31K.
Identifiers: ClinVar variation 1962494 (VCV001962494.3), dbSNP rs1802414, ClinGen allele CA4031617.